The following is an entry in ClinVar:

ClinVar aggregate classification (germline): Likely pathogenic (1 of 4 stars; one submission).

Conditions:
Dilated cardiomyopathy 1G (CMD1G). Identifiers: Orphanet 154, MedGen C1858763, MONDO:0011400, OMIM 604145.
Autosomal recessive limb-girdle muscular dystrophy type 2J (LGMDR10). Also called: Limb-girdle muscular dystrophy, type 2J; MUSCULAR DYSTROPHY, LIMB-GIRDLE, AUTOSOMAL RECESSIVE 10. Identifiers: Orphanet 140922, MedGen C1837342, MONDO:0012127, OMIM 608807.

Submission:

Labcorp Genetics (formerly Invitae), Labcorp
Classification: Likely pathogenic for Dilated cardiomyopathy 1G; Autosomal recessive limb-girdle muscular dystrophy type 2J. Last evaluated: 2024-10-18. Review status: criteria provided, single submitter. Criteria: Invitae Variant Classification Sherloc (09022015). Collection method: clinical testing. Allele origin: germline.
Comment: This sequence change creates a premature translational stop signal (p.Leu1939Serfs*2) in the TTN gene. While this is not anticipated to result in nonsense mediated decay, it is expected to create a truncated TTN protein. This variant is not present in population databases (gnomAD no frequency). This variant has not been reported in the literature in individuals affected with TTN-related conditions. ClinVar contains an entry for this variant (Variation ID: 1523650). This variant is located in the Z band of TTN (PMID: 25589632). Truncating variants in this region have been reported in individuals affected with autosomal recessive centronuclear myopathy (PMID: 33449170, internal data). Truncating variants in this region have also been identified in individuals affected with autosomal dominant dilated cardiomyopathy and/or cardio-related conditions (PMID: 27869827, 32964742, internal data). In summary, the currently available evidence indicates that the variant is pathogenic, but additional data are needed to prove that conclusively. Therefore, this variant has been classified as Likely Pathogenic.

Literature cited by the submitters: PubMed 25589632; PubMed 33449170; PubMed 27869827; PubMed 32964742.

NM_001267550.2(TTN):c.5814_5815insT (p.Leu1939fs)

Gene: TTN (titin; minus strand). Cytogenetic location: 2q31.2.
Variant type: Insertion.
Coding change: c.5814_5815insT on transcript NM_001267550.2 (MANE Select); coding-DNA positions 5814 to 5815, T inserted.
Protein change: p.Leu1939fs; shifts the reading frame from leucine 1939.
Molecular consequence: frameshift variant.
Genome position: GRCh38 VCF-style: chr2-178776049-G-GA. GRCh37 (hg19) VCF-style: chr2-179640776-G-GA.
Other names: c.5814_5815insT, p.Leu1939fs (NM_001256850.1, NM_133378.4, NM_133379.5); c.5676_5677insT, p.Leu1893fs (NM_003319.4, NM_133432.3, NM_133437.4); short protein forms L1893fs, L1939fs.
Identifiers: ClinVar variation 1523650 (VCV001523650.8), dbSNP rs2154345971, ClinGen allele CA2573133949.
Genomic context (GRCh38, chr2:178,776,049, plus strand): 5'-ACTGAAGCTTTCCTGGTTCATGTACGTGAAACTCAGGCCTTGGTTCAGGAGCTCTCCTAA[G>GA]GACAGACCTAAAATCTTCCCTCTGTTGAATCTCAAGCTTCACTTTATGCTCTATCACACC-3'